The following is an entry in ClinVar:

NM_138694.4(PKHD1):c.8426G>A (p.Gly2809Glu)

Gene: PKHD1 (PKHD1 ciliary IPT domain containing fibrocystin/polyductin; minus strand). Cytogenetic location: 6p12.3.
Variant type: single nucleotide variant.
Coding change: c.8426G>A on transcript NM_138694.4 (MANE Select); coding-DNA position 8426, G replaced by A.
Protein change: p.Gly2809Glu; replaces glycine 2809 with glutamic acid.
Molecular consequence: missense variant.
Genome position (GRCh38, 1-based): chr6:51,791,250, C>T on the plus strand (G>A on the coding strand, the complement: PKHD1 is on the minus strand). VCF-style: chr6-51791250-C-T. GRCh37 (hg19) VCF-style: chr6-51656048-C-T.
Other names: c.8426G>A, p.Gly2809Glu (NM_170724.3); short protein forms G2809E.
Identifiers: ClinVar variation 1488779 (VCV001488779.6), dbSNP rs2151261317, ClinGen allele CA364441291.
Genomic context (GRCh38, chr6:51,791,250, plus strand): 5'-AGAATATAATTCTCAACATGCTCGCAATCCTTGTGCCTTTACTCACCAACTTTCAGCTCC[C>T]CGCCTGCAATGACCATGCATGCCACACTCAGAACATTGCTTCTGTCCACAGGGAAGTCTA-3'
Protein context (NP_619639.3, residues 2799-2819): LSVACMVIAG[Gly2809Glu]ELKVGTLENP

ClinVar aggregate classification (germline): Likely pathogenic (1 of 4 stars; one submission).

Conditions:
Autosomal recessive polycystic kidney disease (ARPKD). Also called: AR polycystic kidney disease. Identifiers: Orphanet 731, Orphanet 8378, MedGen C0085548, MeSH D017044, MONDO:0009889.

Submission:

Labcorp Genetics (formerly Invitae), Labcorp
Classification: Likely pathogenic for Autosomal recessive polycystic kidney disease. Last evaluated: 2021-11-08. Review status: criteria provided, single submitter. Criteria: Invitae Variant Classification Sherloc (09022015). Collection method: clinical testing. Allele origin: germline.
Comment: This sequence change replaces glycine, which is neutral and non-polar, with glutamic acid, which is acidic and polar, at codon 2809 of the PKHD1 protein (p.Gly2809Glu). This variant is not present in population databases (gnomAD no frequency). This variant has not been reported in the literature in individuals affected with PKHD1-related conditions. Advanced modeling of protein sequence and biophysical properties (such as structural, functional, and spatial information, amino acid conservation, physicochemical variation, residue mobility, and thermodynamic stability) performed at Invitae indicates that this missense variant is expected to disrupt PKHD1 protein function. This variant disrupts the p.Gly2809 amino acid residue in PKHD1. Other variant(s) that disrupt this residue have been determined to be pathogenic (PMID: 15805161; Invitae). This suggests that this residue is clinically significant, and that variants that disrupt this residue are likely to be disease-causing. In summary, the currently available evidence indicates that the variant is pathogenic, but additional data are needed to prove that conclusively. Therefore, this variant has been classified as Likely Pathogenic.

Literature cited by the submitters: PubMed 15805161.